The following is an entry in ClinVar:

NM_000321.3(RB1):c.2732T>C (p.Met911Thr)

Gene: RB1 (RB transcriptional corepressor 1; plus strand). Cytogenetic location: 13q14.2.
Variant type: single nucleotide variant.
Coding change: c.2732T>C on transcript NM_000321.3 (MANE Select); coding-DNA position 2732, T replaced by C.
Protein change: p.Met911Thr; replaces methionine 911 with threonine.
Molecular consequence: missense variant. On other transcripts: synonymous variant (1).
Genome position (GRCh38, 1-based): chr13:48,480,016, T>C. VCF-style: chr13-48480016-T-C. GRCh37 (hg19) VCF-style: chr13-49054152-T-C.
Other names: c.2751T>C, p.Asn917= (NM_001407165.1); c.182T>C, p.Met61Thr (NM_001407168.1); short protein forms M61T, M911T.
Identifiers: ClinVar variation 3787297 (VCV003787297.1).
Genomic context (GRCh38, chr13:48,480,016, plus strand): 5'-AGTACCATCAATGCTGTTAACAGTTCTTCATCCTTTTTCCAGCTTCTACTCGAACACGAA[T>C]GCAAAAGCAGAAAATGAATGATAGCATGGATACCTCAAACAAGGAAGAGAAATGAGGATC-3'
Protein context (NP_000312.2, residues 901-921): LAEMTSTRTR[Met911Thr]QKQKMNDSMD

ClinVar aggregate classification (germline): Uncertain significance (1 of 4 stars; one submission).

Conditions:
Hereditary cancer-predisposing syndrome. Also called: Neoplastic Syndromes, Hereditary; Hereditary Cancer Syndrome; Tumor predisposition; Hereditary neoplastic syndrome. Identifiers: Orphanet 140162, MedGen C0027672, MeSH D009386, MONDO:0015356.

Submission:

Ambry Genetics
Classification: Uncertain significance for Hereditary cancer-predisposing syndrome. Last evaluated: 2025-03-01. Review status: criteria provided, single submitter. Criteria: Ambry Variant Classification Scheme 2023. Collection method: clinical testing. Allele origin: germline.
Comment: The p.M911T variant (also known as c.2732T>C), located in coding exon 27 of the RB1 gene, results from a T to C substitution at nucleotide position 2732. The methionine at codon 911 is replaced by threonine, an amino acid with similar properties. This amino acid position is conserved. In addition, the in silico prediction for this alteration is inconclusive. Based on the available evidence, the clinical significance of this variant remains unclear.